The following is an entry in ClinVar:

NM_000292.3(PHKA2):c.2436G>A (p.Gly812=)

Gene: PHKA2 (phosphorylase kinase regulatory subunit alpha 2; minus strand). Cytogenetic location: Xp22.13.
Variant type: single nucleotide variant.
Coding change: c.2436G>A on transcript NM_000292.3 (MANE Select); coding-DNA position 2436, G replaced by A.
Protein change: p.Gly812=; no amino-acid change (glycine 812 retained).
Molecular consequence: synonymous variant.
Genome position (GRCh38, 1-based): chrX:18,907,981, C>T on the plus strand (G>A on the coding strand, the complement: PHKA2 is on the minus strand). VCF-style: chrX-18907981-C-T. GRCh37 (hg19) VCF-style: chrX-18926099-C-T.
Identifiers: ClinVar variation 255773 (VCV000255773.17), dbSNP rs61733281, ClinGen allele CA10361640.

ClinVar aggregate classification (germline): Benign. Review status: criteria provided, multiple submitters, no conflicts (2 of 4 stars). 7 submissions from 7 submitters: Benign (6). 1 of the submissions does not count toward it. Last evaluated 2026-01-25.

Conditions:
Glycogen storage disease IXa1. Also called: GLYCOGEN STORAGE DISEASE VIII; GSD VIII; Glycogen storage disease 8; LIVER GLYCOGENOSIS, X-LINKED, TYPE I. Identifiers: Orphanet 264580, MedGen C3694531, MONDO:0010598, OMIM 306000.

Allele frequency attached by ClinVar (database versions not stated): 1000 Genomes Project 30x 0.00354; 1000 Genomes Project 0.00371; TOPMed 0.00666; gnomAD 0.00729 and 0.00738; ExAC 0.00753; ESP Exome Variant Server 0.00767; gnomAD exomes 0.00775 and 0.01023.
gnomAD v4.1: 11,973 of 1,209,092 alleles (0.99%); highest among the groups gnomAD compares: Middle Eastern, 3.2%; 64 homozygotes.

Submissions (7):

Labcorp Genetics (formerly Invitae), Labcorp
Classification: Benign for Glycogen storage disease IXa1. Last evaluated: 2026-01-25. Review status: criteria provided, single submitter. Criteria: Invitae Variant Classification Sherloc (09022015). Collection method: clinical testing. Allele origin: germline.

ARUP Laboratories, Molecular Genetics and Genomics, ARUP Laboratories
Classification: Benign. Last evaluated: 2023-10-26. Review status: criteria provided, single submitter. Criteria: ARUP Molecular Germline Variant Investigation Process 2024. Collection method: clinical testing. Allele origin: germline.

Fulgent Genetics
Classification: Benign for Glycogen storage disease IXa1. Last evaluated: 2021-08-17. Review status: criteria provided, single submitter. Criteria: ACMG Guidelines, 2015. Collection method: clinical testing. Allele origin: unknown.

GeneDx
Classification: Benign. Last evaluated: 2016-02-22. Review status: criteria provided, single submitter. Criteria: GeneDx Variant Classification (06012015). Collection method: clinical testing. Allele origin: germline. Affected: yes.
Comment: This variant is considered likely benign or benign based on one or more of the following criteria: it is a conservative change, it occurs at a poorly conserved position in the protein, it is predicted to be benign by multiple in silico algorithms, and/or has population frequency not consistent with disease.

Breakthrough Genomics
Classification: Benign. Review status: criteria provided, single submitter. Criteria: ACMG Guidelines, 2015. Collection method: not provided. Allele origin: germline. Inheritance: X-linked inheritance. Affected: yes.

PreventionGenetics, part of Exact Sciences
Classification: Benign. Review status: criteria provided, single submitter. Criteria: ACMG Guidelines, 2015. Collection method: clinical testing. Allele origin: germline.

Mayo Clinic Laboratories, Mayo Clinic
Classification: Benign. Last evaluated: 2017-09-27. Review status: no assertion criteria provided. Collection method: clinical testing. Allele origin: unknown. Not counted in ClinVar's aggregate classification.